The following is an entry in ClinVar:

NM_181507.2(HPS5):c.794C>T (p.Ser265Leu)

Gene: HPS5 (HPS5 biogenesis of lysosomal organelles complex 2 subunit 2; minus strand). Cytogenetic location: 11p15.1.
Variant type: single nucleotide variant.
Coding change: c.794C>T on transcript NM_181507.2 (MANE Select); coding-DNA position 794, C replaced by T.
Protein change: p.Ser265Leu; replaces serine 265 with leucine.
Molecular consequence: missense variant.
Genome position (GRCh38, 1-based): chr11:18,306,165, G>A on the plus strand (C>T on the coding strand, the complement: HPS5 is on the minus strand). VCF-style: chr11-18306165-G-A. GRCh37 (hg19) VCF-style: chr11-18327712-G-A.
Other names: c.452C>T, p.Ser151Leu (NM_007216.4, NM_181508.2); short protein forms S265L, S151L.
Identifiers: ClinVar variation 2187837 (VCV002187837.1), dbSNP rs780709376, ClinGen allele CA5910347.
Genomic context (GRCh38, chr11:18,306,165, plus strand): 5'-ACAATCCCAACCAGCCATACAAATCGTTACCTGAGAGTAATCACAGGGAGAGGTGGCAAC[G>A]AGAGGAGTTTCTTGAACTGATGTGTACTTATAACTTCTCCATCAAAGTTCACTTCCCACA-3'
Protein context (NP_852608.1, residues 255-275): ISTHQFKKLL[Ser265Leu]LPPLPVITLR

ClinVar aggregate classification (germline): Uncertain significance (1 of 4 stars; one submission).

Allele frequency attached by ClinVar (database versions not stated): ExAC 0.00001; gnomAD 0.00001; TOPMed 0.00002; gnomAD exomes 0.00004.
gnomAD v4.1: 57 of 1,613,470 alleles (0.0035%); highest among the groups gnomAD compares: Non-Finnish European, 0.0044%; no homozygotes.

Submission:

Labcorp Genetics (formerly Invitae), Labcorp
Classification: Uncertain significance. Last evaluated: 2022-06-13. Review status: criteria provided, single submitter. Criteria: Invitae Variant Classification Sherloc (09022015). Collection method: clinical testing. Allele origin: germline.
Comment: This sequence change replaces serine, which is neutral and polar, with leucine, which is neutral and non-polar, at codon 265 of the HPS5 protein (p.Ser265Leu). This variant is present in population databases (rs780709376, gnomAD 0.003%). This variant has not been reported in the literature in individuals affected with HPS5-related conditions. Algorithms developed to predict the effect of missense changes on protein structure and function are either unavailable or do not agree on the potential impact of this missense change (SIFT: "Deleterious"; PolyPhen-2: "Possibly Damaging"; Align-GVGD: "Class C0"). In summary, the available evidence is currently insufficient to determine the role of this variant in disease. Therefore, it has been classified as a Variant of Uncertain Significance.